The following is an entry in ClinVar:

NM_004963.4(GUCY2C):c.1745G>A (p.Gly582Asp)

Gene: GUCY2C (guanylate cyclase 2C; minus strand). Cytogenetic location: 12p12.3.
Variant type: single nucleotide variant.
Coding change: c.1745G>A on transcript NM_004963.4 (MANE Select); coding-DNA position 1745, G replaced by A.
Protein change: p.Gly582Asp; replaces glycine 582 with aspartic acid.
Molecular consequence: missense variant.
Genome position (GRCh38, 1-based): chr12:14,645,281, C>T on the plus strand (G>A on the coding strand, the complement: GUCY2C is on the minus strand). VCF-style: chr12-14645281-C-T. GRCh37 (hg19) VCF-style: chr12-14798215-C-T.
Other names: short protein forms G582D.
Identifiers: ClinVar variation 2787094 (VCV002787094.3), dbSNP rs2497693751, ClinGen allele CA383986933.

ClinVar aggregate classification (germline): Uncertain significance (1 of 4 stars; one submission).

Submission:

Labcorp Genetics (formerly Invitae), Labcorp
Classification: Uncertain significance. Last evaluated: 2023-08-05. Review status: criteria provided, single submitter. Criteria: Invitae Variant Classification Sherloc (09022015). Collection method: clinical testing. Allele origin: germline.
Comment: Advanced modeling of protein sequence and biophysical properties (such as structural, functional, and spatial information, amino acid conservation, physicochemical variation, residue mobility, and thermodynamic stability) performed at Invitae indicates that this missense variant is not expected to disrupt GUCY2C protein function. This sequence change replaces glycine, which is neutral and non-polar, with aspartic acid, which is acidic and polar, at codon 582 of the GUCY2C protein (p.Gly582Asp). This variant is not present in population databases (gnomAD no frequency). This variant has not been reported in the literature in individuals affected with GUCY2C-related conditions. In summary, the available evidence is currently insufficient to determine the role of this variant in disease. Therefore, it has been classified as a Variant of Uncertain Significance.